The following is an entry in ClinVar:

NM_001130987.2(DYSF):c.5611G>A (p.Gly1871Arg)

Gene: DYSF (dysferlin; plus strand). Cytogenetic location: 2p13.2.
Variant type: single nucleotide variant.
Coding change: c.5611G>A on transcript NM_001130987.2 (MANE Select); coding-DNA position 5611, G replaced by A.
Protein change: p.Gly1871Arg; replaces glycine 1871 with arginine.
Molecular consequence: missense variant.
Genome position (GRCh38, 1-based): chr2:71,669,176, G>A. VCF-style: chr2-71669176-G-A. GRCh37 (hg19) VCF-style: chr2-71896306-G-A.
Other names: c.5497G>A, p.Gly1833Arg (NM_001130455.2); c.5452G>A, p.Gly1818Arg (NM_001130976.2); c.5515G>A, p.Gly1839Arg (NM_001130977.2); c.5557G>A, p.Gly1853Arg (NM_001130978.2); c.5587G>A, p.Gly1863Arg (NM_001130979.2); c.5545G>A, p.Gly1849Arg (NM_001130980.2); c.5608G>A, p.Gly1870Arg (NM_001130981.2); c.5590G>A, p.Gly1864Arg (NM_001130982.2); and 5 more; short protein forms G1839R, G1871R, G1818R, G1832R, G1853R, G1854R, G1864R, G1833R.
Identifiers: ClinVar variation 1980346 (VCV001980346.4), dbSNP rs2152955985, ClinGen allele CA347222985.

ClinVar aggregate classification (germline): Uncertain significance (1 of 4 stars; one submission).

Conditions:
Neuromuscular disease caused by qualitative or quantitative defects of dysferlin. Also called: Qualitative or quantitative defects of dysferlin; Dysferlinopathy. Identifiers: Orphanet 207073, MedGen C2931687, MONDO:0016145.

Allele frequency attached by ClinVar (database versions not stated): gnomAD exomes below 0.00001.
gnomAD v4.1: 1 of 1,610,534 alleles (0.000062%); highest among the groups gnomAD compares: East Asian, 0.0022%; no homozygotes.

Submission:

Labcorp Genetics (formerly Invitae), Labcorp
Classification: Uncertain significance for Neuromuscular disease caused by qualitative or quantitative defects of dysferlin. Last evaluated: 2022-07-22. Review status: criteria provided, single submitter. Criteria: Invitae Variant Classification Sherloc (09022015). Collection method: clinical testing. Allele origin: germline.
Comment: This sequence change replaces glycine, which is neutral and non-polar, with arginine, which is basic and polar, at codon 1832 of the DYSF protein (p.Gly1832Arg). This variant is not present in population databases (gnomAD no frequency). This variant has not been reported in the literature in individuals affected with DYSF-related conditions. Advanced modeling of protein sequence and biophysical properties (such as structural, functional, and spatial information, amino acid conservation, physicochemical variation, residue mobility, and thermodynamic stability) performed at Invitae indicates that this missense variant is expected to disrupt DYSF protein function. In summary, the available evidence is currently insufficient to determine the role of this variant in disease. Therefore, it has been classified as a Variant of Uncertain Significance.